The following is an entry in ClinVar:

NM_000138.5(FBN1):c.4050C>A (p.Cys1350Ter)

Gene: FBN1 (fibrillin 1; minus strand). Cytogenetic location: 15q21.1.
Variant type: single nucleotide variant.
Coding change: c.4050C>A on transcript NM_000138.5 (MANE Select); coding-DNA position 4050, C replaced by A.
Protein change: p.Cys1350Ter; replaces cysteine 1350 with a stop codon.
Molecular consequence: nonsense.
Genome position (GRCh38, 1-based): chr15:48,474,565, G>T on the plus strand (C>A on the coding strand, the complement: FBN1 is on the minus strand). VCF-style: chr15-48474565-G-T. GRCh37 (hg19) VCF-style: chr15-48766762-G-T.
Other names: p.C1350X:TGC>TGA; short protein forms C1350*.
Identifiers: ClinVar variation 200032 (VCV000200032.4), dbSNP rs201058219, ClinGen allele CA014724.

ClinVar aggregate classification (germline): Pathogenic. Review status: criteria provided, multiple submitters, no conflicts (2 of 4 stars). 2 submissions from 2 submitters: Pathogenic (2). Last evaluated 2014-05-10.

Conditions:
Marfan syndrome (MFS). Also called: Marfan syndrome, classic; FBN1-Related Marfan Syndrome; Marfan syndrome type 1; Marfan's syndrome; MARFAN SYNDROME, TYPE I. Identifiers: Orphanet 284963, Orphanet 558, MedGen C0024796, MONDO:0007947, OMIM 154700.

Submissions (2):

GeneDx
Classification: Pathogenic. Last evaluated: 2014-05-10. Review status: criteria provided, single submitter. Criteria: GeneDx Variant Classification (06012015). Collection method: clinical testing. Allele origin: germline. Affected: yes.
Comment: p.Cys1350Stop (TGC>TGA): c.4050 C>A in exon 33 of the FBN1 gene (NM_000138.4)The C1350X mutation in the FBN1 gene has not been reported as a disease-causing mutation or as a benign polymorphism to our knowledge. C1350X is predicted to cause loss of normal protein function either by protein truncation or nonsense-mediated mRNA decay. Other nonsense mutations in the FBN1 gene have been reported in association with Marfan syndrome or other FBN1-related disorder. Furthermore, the C1350X variant was not observed with any significant frequency in the 1000 Genomes database and was not observed in approximately 6500 individuals of European and African American ancestry in the NHLBI Exome Sequencing Project, indicating it is not a common benign variant in these populations.In summary, C1350X in the FBN1 gene is interpreted as a disease-causing mutation. The variant is found in TAAD panel(s).

Juno Genomics, Hangzhou Juno Genomics, Inc
Classification: Pathogenic for Marfan syndrome. Review status: criteria provided, single submitter. Criteria: ACMG Guidelines, 2015. Collection method: clinical testing. Allele origin: germline. Affected: yes.
Comment: Null variant in a gene where loss of function (LOF) is a known mechanism of disease.;Absent from controls (or at extremely low frequency if recessive) in Genome Aggregation Database, Exome Sequencing Project, 1000 Genomes Project, or Exome Aggregation Consortium.;Patient's phenotype or family history is highly specific for a disease with a single genetic etiology.